The following is an entry in ClinVar:

ClinVar aggregate classification (germline): Likely pathogenic (1 of 4 stars; one submission).

Submission:

Labcorp Genetics (formerly Invitae), Labcorp
Classification: Likely pathogenic. Last evaluated: 2024-12-05. Review status: criteria provided, single submitter. Criteria: Invitae Variant Classification Sherloc (09022015). Collection method: clinical testing. Allele origin: germline.
Comment: This sequence change affects an acceptor splice site in intron 17 of the MSH3 gene. It is expected to disrupt RNA splicing. Variants that disrupt the donor or acceptor splice site typically lead to a loss of protein function (PMID: 16199547), and loss-of-function variants in MSH3 are known to be pathogenic (PMID: 27476653, 37402566). This variant is not present in population databases (gnomAD no frequency). This variant has not been reported in the literature in individuals affected with MSH3-related conditions. Algorithms developed to predict the effect of sequence changes on RNA splicing suggest that this variant may disrupt the consensus splice site. In summary, the currently available evidence indicates that the variant is pathogenic, but additional data are needed to prove that conclusively. Therefore, this variant has been classified as Likely Pathogenic.

Literature cited by the submitters: PubMed 16199547; PubMed 27476653; PubMed 37402566.

NM_002439.5(MSH3):c.2436-2A>G

Gene: MSH3 (mutS homolog 3; plus strand). Cytogenetic location: 5q14.1.
Variant type: single nucleotide variant.
Coding change: c.2436-2A>G on transcript NM_002439.5 (MANE Select); the canonical splice acceptor site of the intron before coding-DNA position 2436, A replaced by G.
Molecular consequence: splice acceptor variant.
Genome position (GRCh38, 1-based): chr5:80,787,563, A>G. VCF-style: chr5-80787563-A-G. GRCh37 (hg19) VCF-style: chr5-80083382-A-G.
Identifiers: ClinVar variation 3726707 (VCV003726707.2).